The following is an entry in ClinVar:

NM_139276.3(STAT3):c.1144C>T (p.Arg382Trp)

Gene: STAT3 (signal transducer and activator of transcription 3; minus strand). Cytogenetic location: 17q21.2.
Variant type: single nucleotide variant.
Coding change: c.1144C>T on transcript NM_139276.3 (MANE Select); coding-DNA position 1144, C replaced by T.
Protein change: p.Arg382Trp; replaces arginine 382 with tryptophan.
Molecular consequence: missense variant.
Genome position (GRCh38, 1-based): chr17:42,329,643, G>A on the plus strand (C>T on the coding strand, the complement: STAT3 is on the minus strand). VCF-style: chr17-42329643-G-A. GRCh37 (hg19) VCF-style: chr17-40481661-G-A.
Other names: c.1144C>T, p.Arg382Trp (NM_001369512.1, NM_001369513.1, NM_001369514.1 and 12 more transcripts); c.1066C>T, p.Arg356Trp (NM_001384985.1); c.1159C>T, p.Arg387Trp (NM_001384986.1, NM_001384990.1); c.1048C>T, p.Arg350Trp (NM_001384989.1); c.1084C>T, p.Arg362Trp (NM_001384992.1); short protein forms R382W, R350W, R356W, R362W, R387W.
Identifiers: ClinVar variation 18304 (VCV000018304.66), dbSNP rs113994135, ClinGen allele CA341504.
Genomic context (GRCh38, chr17:42,329,643, plus strand): 5'-CGTTGTTGGATTCTTCCATGTTCATCACTTTTGTGTTTGTGCCCAGAATGTTAAATTTCC[G>A]GGATCTGAATCACAGGGGAACAATCAACTATGTAGGTGACCAAGTAGCCGGAGGATGAAG-3'
Protein context (NP_644805.1, residues 372-392): SGDVAALRGS[Arg382Trp]KFNILGTNTK

ClinVar aggregate classification (germline): Pathogenic. Review status: criteria provided, multiple submitters, no conflicts (2 of 4 stars). 15 submissions from 15 submitters: Pathogenic (11). 4 of the submissions do not count toward it. Last evaluated 2025-10-16.

Conditions:
Hyper-IgE recurrent infection syndrome 1, autosomal dominant. Also called: HYPER-IgE SYNDROME 1, AUTOSOMAL DOMINANT, WITH RECURRENT INFECTIONS; STAT3 Hyper IgE Syndrome; JOB SYNDROME; Job's Syndrome; Hyper-IgE recurrent infection syndrome 1. Identifiers: Orphanet 2314, MedGen C2936739, MONDO:0007818, OMIM 147060.
STAT3 gain of function. Identifiers: MedGen C4288261.
STAT3-related disorder. Also called: STAT3-related condition.
STAT3-related early-onset multisystem autoimmune disease. Also called: Autoimmune disease, multisystem, infantile-onset, 1. Identifiers: Orphanet 438159, MedGen C4014795, MONDO:0014414, OMIM 615952.

Submissions (15):

3billion
Classification: Pathogenic for Hyper-IgE recurrent infection syndrome 1, autosomal dominant. Last evaluated: 2025-10-16. Review status: criteria provided, single submitter. Criteria: ACMG Guidelines, 2015. Collection method: clinical testing. Allele origin: germline. Affected: yes.
Comment: The variant is not observed in the gnomAD v4.1.0 dataset. Predicted Consequence/Location: Missense variant. Missense changes are a common disease-causing mechanism. In silico tool predictions suggest damaging effect of the variant on gene or gene product [REVEL: 0.90 (>=0.6, sensitivity 0.68 and specificity 0.92); 3Cnet: 0.99 (> 0.75, sensitivity 0.96 and precision 0.92)]. The same nucleotide change resulting in the same amino acid change has been previously reported as pathogenic/likely pathogenic with strong evidence (ClinVar ID: VCV000018304 /PMID: 17676033 /3billion dataset). Different missense changes at the same codon (p.Arg382Gln, p.Arg382Gly, p.Arg382Leu, p.Arg382Pro) have been reported as pathogenic/likely pathogenic with strong evidence (ClinVar ID: VCV000018305, VCV000018307, VCV002099076 /PMID: 17676033, 17881745, 20093388, 32944025 /3billion dataset). Therefore, this variant is classified as Pathogenic according to the recommendation of ACMG/AMP guideline.

Labcorp Genetics (formerly Invitae), Labcorp
Classification: Pathogenic for STAT3 gain of function; Hyper-IgE recurrent infection syndrome 1, autosomal dominant. Last evaluated: 2025-06-23. Review status: criteria provided, single submitter. Criteria: Invitae Variant Classification Sherloc (09022015). Collection method: clinical testing. Allele origin: germline.
Comment: This sequence change replaces arginine, which is basic and polar, with tryptophan, which is neutral and slightly polar, at codon 382 of the STAT3 protein (p.Arg382Trp). This variant is not present in population databases (gnomAD no frequency). This missense change has been observed in individuals with hyper IgE syndrome (HIES) (PMID: 17676033, 17881745, 17942886, 21324546, 24452316). It has also been observed to segregate with disease in related individuals. ClinVar contains an entry for this variant (Variation ID: 18304). Invitae Evidence Modeling of protein sequence and biophysical properties (such as structural, functional, and spatial information, amino acid conservation, physicochemical variation, residue mobility, and thermodynamic stability) indicates that this missense variant is expected to disrupt STAT3 protein function with a positive predictive value of 80%. Experimental studies have shown that this missense change affects STAT3 function (PMID: 17676033, 22581330). For these reasons, this variant has been classified as Pathogenic.

Next Generation Genetic Polyclinic
Classification: Pathogenic for Hyper-IgE recurrent infection syndrome 1, autosomal dominant. Last evaluated: 2025-04-27. Review status: criteria provided, single submitter. Criteria: ACMG Guidelines, 2015. Collection method: curation. Allele origin: germline. Affected: yes. Observed: 1 variant allele.
Comment: A pathogenic missense variant in the STAT3 gene (c.1144C>T), predicted deleterious by multiple tools, was identified in a heterozygous state and reported in 34 publications.

Blueprint Genetics
Classification: Pathogenic for STAT3-related disorders. Last evaluated: 2023-11-23. Review status: criteria provided, single submitter. Criteria: ACMG Guidelines, 2015. Collection method: clinical testing. Allele origin: germline. Affected: yes. Observed: 3 variant alleles.

Diagnostic Genetics, Severance Hospital, Yonsei University College of Medicine
Classification: Pathogenic for STAT3-related early-onset multisystem autoimmune disease. Last evaluated: 2023-01-03. Review status: criteria provided, single submitter. Criteria: ACMG Guidelines, 2015. Collection method: clinical testing. Allele origin: germline. Affected: yes.

GeneDx
Classification: Pathogenic. Last evaluated: 2022-06-06. Review status: criteria provided, single submitter. Criteria: GeneDx Variant Classification Process June 2021. Collection method: clinical testing. Allele origin: germline. Affected: yes.
Comment: Not observed at significant frequency in large population cohorts (gnomAD); In silico analysis supports that this missense variant has a deleterious effect on protein structure/function; This variant is associated with the following publications: (PMID: 21606497, 23040277, 22581330, 22500887, 24452316, 17881745, 23830147, 32248557, 27315770, 21324546, 17942886, 21288777, 17676033, 26384563, 26293184, 20093388, 27799162, 4161105, 29620631, 30697212, 30410549, 30732127, 31346092, 31596517, 31681265, 32047500, 32135276, 32912316, 32768442, 33343952, 32915432, 33225392, 32944025, 32888943, 33014947, 34134972, 33717144, 18602572)

Baylor Genetics
Classification: Pathogenic for Hyper-IgE recurrent infection syndrome 1, autosomal dominant. Last evaluated: 2020-05-08. Review status: criteria provided, single submitter. Criteria: ACMG Guidelines, 2015. Collection method: clinical testing. Allele origin: de novo. Affected: yes.
Comment: This variant was determined to be pathogenic according to ACMG Guidelines, 2015 [PMID:25741868].

Institute of Human Genetics, University of Leipzig Medical Center
Classification: Pathogenic for Hyper-IgE recurrent infection syndrome 1, autosomal dominant. Last evaluated: 2019-06-17. Review status: criteria provided, single submitter. Criteria: ACMG Guidelines, 2015. Collection method: clinical testing. Allele origin: germline. Affected: yes. Observed: 1 variant allele.

CeGaT Center for Human Genetics Tuebingen
Classification: Pathogenic. Last evaluated: 2018-06-01. Review status: criteria provided, single submitter. Criteria: CeGaT Center For Human Genetics Tuebingen Variant Classification Criteria Version 2. Collection method: clinical testing. Allele origin: germline. Affected: yes. Observed: 1 variant allele.

Molecular Diagnostics Laboratory, M Health Fairview: University of Minnesota
Classification: Pathogenic for Hyper-IgE recurrent infection syndrome 1, autosomal dominant. Last evaluated: 2016-12-20. Review status: criteria provided, single submitter. Criteria: ACMG Guidelines, 2015. Collection method: clinical testing. Allele origin: germline. Affected: yes. Observed: 1 variant allele.

Juno Genomics, Hangzhou Juno Genomics, Inc
Classification: Pathogenic for STAT3-related early-onset multisystem autoimmune disease; Hyper-IgE recurrent infection syndrome 1, autosomal dominant. Review status: criteria provided, single submitter. Criteria: ACMG Guidelines, 2015. Collection method: clinical testing. Allele origin: germline. Affected: yes.
Comment: Well-established in vitro or in vivo functional studies supportive of a damaging effect on the gene or gene product.;Assumed de novo, but without confirmation of paternity and maternity.;The prevalence of the variant in affected individuals is significantly increased compared to the prevalence in controls.;Novel missense change at an amino acid residue where a different missense change determined to be pathogenic has been seen before.;Absent from controls (or at extremely low frequency if recessive) in Genome Aggregation Database, Exome Sequencing Project, 1000 Genomes Project, or Exome Aggregation Consortium.;Patient's phenotype or family history is highly specific for a disease with a single genetic etiology.

Laboratory of Research in Genomics, Genetics and Bioinformatics, Hospital Infantil de Mexico Federico Gomez
Classification: Pathogenic for STAT3-related early-onset multisystem autoimmune disease. Last evaluated: 2025-04-08. Review status: no assertion criteria provided. Collection method: research. Allele origin: germline. Affected: yes. Not counted in ClinVar's aggregate classification.

Clinic of Clinical Immunology with Stem Cell Bank, Expert Centre for Rare Diseases - PID, University Hospital "Alexandrovska"
Classification: Pathogenic for Hyper-IgE recurrent infection syndrome 1, autosomal dominant. Last evaluated: 2022-05-01. Review status: no assertion criteria provided. Collection method: clinical testing. Allele origin: de novo. Affected: yes. Not counted in ClinVar's aggregate classification.

OMIM
Classification: Pathogenic for HYPER-IgE SYNDROME 1, AUTOSOMAL DOMINANT, WITH RECURRENT INFECTIONS. Last evaluated: 2007-10-18. Review status: no assertion criteria provided. Collection method: literature only. Allele origin: germline. Not counted in ClinVar's aggregate classification.

GeneReviews
No classification provided. Condition: Hyper-IgE recurrent infection syndrome 1, autosomal dominant. Review status: no classification provided. Collection method: literature only. Allele origin: germline. Not counted in ClinVar's aggregate classification.

Literature cited by the submitters: PubMed 17676033 (cited by 3 submitters); PubMed 17881745 (cited by 4 submitters); PubMed 17942886 (cited by Labcorp Genetics (formerly Invitae), Labcorp and OMIM); PubMed 21324546 (cited by Labcorp Genetics (formerly Invitae), Labcorp); PubMed 24452316 (cited by Labcorp Genetics (formerly Invitae), Labcorp); PubMed 22581330 (cited by Labcorp Genetics (formerly Invitae), Labcorp); PubMed 4161105 (cited by OMIM); PubMed 20301786 (cited by GeneReviews).